The following is an entry in ClinVar:

NM_004006.3(DMD):c.7000G>T (p.Glu2334Ter)

Gene: DMD (dystrophin; minus strand). Cytogenetic location: Xp21.1.
Variant type: single nucleotide variant.
Coding change: c.7000G>T on transcript NM_004006.3 (MANE Select); coding-DNA position 7000, G replaced by T.
Protein change: p.Glu2334Ter; replaces glutamic acid 2334 with a stop codon.
Molecular consequence: nonsense. On other transcripts: 5 prime UTR variant (5).
Genome position (GRCh38, 1-based): chrX:31,875,286, C>A on the plus strand (G>T on the coding strand, the complement: DMD is on the minus strand). VCF-style: chrX-31875286-C-A. GRCh37 (hg19) VCF-style: chrX-31893403-C-A.
Other names: c.6976G>T, p.Glu2326Ter (NM_000109.4); c.6988G>T, p.Glu2330Ter (NM_004009.3); c.6631G>T, p.Glu2211Ter (NM_004010.3); c.2977G>T, p.Glu993Ter (NM_004011.4); c.2968G>T, p.Glu990Ter (NM_004012.4); c.-381G>T (NM_004013.3, NM_004020.4, NM_004021.3 and 2 more transcripts); short protein forms E2211*, E2326*, E2330*, E2334*, E990*, E993*.
Identifiers: ClinVar variation 1806426 (VCV001806426.1), dbSNP rs1420885213, ClinGen allele CA412660077.

ClinVar aggregate classification (germline): Likely pathogenic (1 of 4 stars; one submission).

Conditions:
Duchenne muscular dystrophy (DMD). Also called: MUSCULAR DYSTROPHY, PSEUDOHYPERTROPHIC PROGRESSIVE, DUCHENNE TYPE; Duchenne Muscular Dystrophy (DMD). Identifiers: Orphanet 98896, MedGen C0013264, MONDO:0010679, OMIM 310200.

Submission:

Laboratory of Medical Genetics, National & Kapodistrian University of Athens
Classification: Likely pathogenic for Duchenne muscular dystrophy. Last evaluated: 2022-12-16. Review status: criteria provided, single submitter. Criteria: ACMG Guidelines, 2015. Collection method: clinical testing. Allele origin: germline. Affected: yes.
Comment: PVS1, PM2